The following is an entry in ClinVar:

ClinVar aggregate classification (germline): Uncertain significance (1 of 4 stars; one submission).

Submission:

Labcorp Genetics (formerly Invitae), Labcorp
Classification: Uncertain significance. Last evaluated: 2026-01-09. Review status: criteria provided, single submitter. Criteria: Invitae Variant Classification Sherloc (09022015). Collection method: clinical testing. Allele origin: germline.
Comment: This sequence change replaces threonine, which is neutral and polar, with alanine, which is neutral and non-polar, at codon 157 of the TCF20 protein (p.Thr157Ala). This variant is not present in population databases (gnomAD no frequency). This missense change has been observed in individual(s) with autism spectrum disorder (PMID: 35982159). An algorithm developed to predict the effect of missense changes on protein structure and function (PolyPhen-2) suggests that this variant is likely to be tolerated. In summary, the available evidence is currently insufficient to determine the role of this variant in disease. Therefore, it has been classified as a Variant of Uncertain Significance.

Literature cited by the submitters: PubMed 35982159.

NM_001378418.1(TCF20):c.469A>G (p.Thr157Ala)

Gene: TCF20 (transcription factor 20; minus strand). Cytogenetic location: 22q13.2.
Variant type: single nucleotide variant.
Coding change: c.469A>G on transcript NM_001378418.1 (MANE Select); coding-DNA position 469, A replaced by G.
Protein change: p.Thr157Ala; replaces threonine 157 with alanine.
Molecular consequence: missense variant.
Genome position (GRCh38, 1-based): chr22:42,214,837, T>C on the plus strand (A>G on the coding strand, the complement: TCF20 is on the minus strand). VCF-style: chr22-42214837-T-C. GRCh37 (hg19) VCF-style: chr22-42610843-T-C.
Other names: c.469A>G, p.Thr157Ala (NM_005650.4, NM_181492.3); short protein forms T157A.
Identifiers: ClinVar variation 4770307 (VCV004770307.1).
Genomic context (GRCh38, chr22:42,214,837, plus strand): 5'-GCTGCTGCTGGCTGGAAGCCTGCTGTTGGTACTGAGCACTCCCTGGAGAGAAAGGCCCAG[T>C]GTAATCCTGCTGATAATGTGACACACCGCCAAGGCCAGAGTGCTGTGCTTGAAACTGGCC-3'
Protein context (NP_001365347.1, residues 147-167): GGVSHYQQDY[Thr157Ala]GPFSPGSAQY